The following is an entry in ClinVar:

ClinVar aggregate classification (germline): Conflicting classifications of pathogenicity. Review status: criteria provided, conflicting classifications (1 of 4 stars). 2 submissions from 2 submitters: Uncertain significance (1); Likely benign (1). Last evaluated 2022-11-30.

Conditions:
Inborn genetic diseases. Identifiers: MedGen C0950123, MeSH D030342.

Allele frequency attached by ClinVar (database versions not stated): ExAC 0.00014; 1000 Genomes Project 0.00020; 1000 Genomes Project 30x 0.00031; TOPMed 0.00040; ESP Exome Variant Server 0.00054.

Submissions (2):

Ambry Genetics
Classification: Likely benign for Inborn genetic diseases. Last evaluated: 2022-11-30. Review status: criteria provided, single submitter. Criteria: Ambry Variant Classification Scheme 2023. Collection method: clinical testing. Allele origin: germline.

Labcorp Genetics (formerly Invitae), Labcorp
Classification: Uncertain significance. Last evaluated: 2022-08-13. Review status: criteria provided, single submitter. Criteria: Invitae Variant Classification Sherloc (09022015). Collection method: clinical testing. Allele origin: germline.
Comment: This sequence change replaces proline, which is neutral and non-polar, with leucine, which is neutral and non-polar, at codon 198 of the SNX10 protein (p.Pro198Leu). This variant is present in population databases (rs149177634, gnomAD 0.1%). This variant has not been reported in the literature in individuals affected with SNX10-related conditions. ClinVar contains an entry for this variant (Variation ID: 1505826). Algorithms developed to predict the effect of missense changes on protein structure and function output the following: SIFT: "Tolerated"; PolyPhen-2: "Benign"; Align-GVGD: "Class C0". The leucine amino acid residue is found in multiple mammalian species, which suggests that this missense change does not adversely affect protein function. In summary, the available evidence is currently insufficient to determine the role of this variant in disease. Therefore, it has been classified as a Variant of Uncertain Significance.

NM_013322.3(SNX10):c.593C>T (p.Pro198Leu)

Genes: SNX10 (sorting nexin 10; plus strand), SNX10-AS1 (SNX10 antisense RNA 1; minus strand). Cytogenetic location: 7p15.2.
Variant type: single nucleotide variant.
Coding change: c.593C>T on transcript NM_013322.3 (MANE Select); coding-DNA position 593, C replaced by T.
Protein change: p.Pro198Leu; replaces proline 198 with leucine.
Molecular consequence: missense variant. On other transcripts: non-coding transcript variant (3).
Genome position (GRCh38, 1-based): chr7:26,372,559, C>T. VCF-style: chr7-26372559-C-T. GRCh37 (hg19) VCF-style: chr7-26412179-C-T.
Other names: c.593C>T, p.Pro198Leu (NM_001199835.1, NM_001318199.3); c.584C>T, p.Pro195Leu (NM_001199837.3); c.341C>T, p.Pro114Leu (NM_001199838.2); c.671C>T, p.Pro224Leu (NM_001318198.1, NM_001362753.1, NM_001362754.1); short protein forms P195L, P114L, P198L, P224L.
Identifiers: ClinVar variation 1505826 (VCV001505826.4), dbSNP rs149177634, ClinGen allele CA4195308.
Genomic context (GRCh38, chr7:26,372,559, plus strand): 5'-CTGGGCTTGGACACAGTAGTGATGACAGCAGTTCACATGGATGTAAAGTAAATACAGCTC[C>T]GCAGGAATCCTGAAAAATAATTCTAATGTTACTATCTTAGGAATAGCAAATTATGTCCAG-3'
Protein context (NP_037454.2, residues 188-201): SSHGCKVNTA[Pro198Leu]QES